The following is an entry in ClinVar:

ClinVar aggregate classification (germline): Conflicting classifications of pathogenicity. Review status: criteria provided, conflicting classifications (1 of 4 stars). 2 submissions from 2 submitters: Uncertain significance (1); Likely benign (1). Last evaluated 2023-12-12.

Conditions:
Intellectual disability. Also called: Intellectual functioning disability; Intellectual developmental disorder; intellectual disabilities. Identifiers: MedGen C3714756, MeSH D008607, MONDO:0001071, HP:0001249.

Allele frequency attached by ClinVar (database versions not stated): ExAC 0.00001; gnomAD exomes 0.00001; TOPMed 0.00001.

Submissions (2):

Labcorp Genetics (formerly Invitae), Labcorp
Classification: Uncertain significance for Intellectual disability. Last evaluated: 2023-12-12. Review status: criteria provided, single submitter. Criteria: Invitae Variant Classification Sherloc (09022015). Collection method: clinical testing. Allele origin: germline.
Comment: This sequence change replaces arginine, which is basic and polar, with histidine, which is basic and polar, at codon 337 of the GABRB2 protein (p.Arg337His). This variant is present in population databases (rs769682551, gnomAD 0.003%). This variant has not been reported in the literature in individuals affected with GABRB2-related conditions. ClinVar contains an entry for this variant (Variation ID: 1404749). Advanced modeling of protein sequence and biophysical properties (such as structural, functional, and spatial information, amino acid conservation, physicochemical variation, residue mobility, and thermodynamic stability) has been performed at Invitae for this missense variant, however the output from this modeling did not meet the statistical confidence thresholds required to predict the impact of this variant on GABRB2 protein function. In summary, the available evidence is currently insufficient to determine the role of this variant in disease. Therefore, it has been classified as a Variant of Uncertain Significance.

Institute of Human Genetics, FAU Erlangen, Friedrich-Alexander-Universität Erlangen-Nürnberg
Classification: Likely benign. Last evaluated: 2023-03-21. Review status: criteria provided, single submitter. Criteria: Hauer et al. (Genet Med. 2018). Collection method: clinical testing. Allele origin: germline. Inheritance: Autosomal dominant inheritance. Affected: yes. Observed: 2 variant alleles.
Comment: This variant has been identified by standard clinical testing.

NM_001371727.1(GABRB2):c.1010G>A (p.Arg337His)

Gene: GABRB2 (gamma-aminobutyric acid type A receptor subunit beta2; minus strand). Cytogenetic location: 5q34.
Variant type: single nucleotide variant.
Coding change: c.1010G>A on transcript NM_001371727.1 (MANE Select); coding-DNA position 1010, G replaced by A.
Protein change: p.Arg337His; replaces arginine 337 with histidine.
Molecular consequence: missense variant.
Genome position (GRCh38, 1-based): chr5:161,330,950, C>T on the plus strand (G>A on the coding strand, the complement: GABRB2 is on the minus strand). VCF-style: chr5-161330950-C-T. GRCh37 (hg19) VCF-style: chr5-160757957-C-T.
Other names: c.1010G>A, p.Arg337His (NM_000813.3, NM_021911.3); short protein forms R337H.
Identifiers: ClinVar variation 1404749 (VCV001404749.14), dbSNP rs769682551, ClinGen allele CA3543445.
Genomic context (GRCh38, chr5:161,330,950, plus strand): 5'-ACATCCAGGCGCATCTTCTCATTGTTGGCACTGGCAGCCTTCTCAGCTGCTTTCTTTTGG[C>T]GTTGGGGCCCCCTCCCAAAGAAGATGTAGTTGACTAGGGCATATTCCAGAAGGGCCATGA-3'
Protein context (NP_001358656.1, residues 327-347): NYIFFGRGPQ[Arg337His]QKKAAEKAAS